The following is an entry in ClinVar:

ClinVar aggregate classification (germline): Uncertain significance (1 of 4 stars; one submission).

Allele frequency attached by ClinVar (database versions not stated): gnomAD exomes below 0.00001; ExAC 0.00001.
gnomAD v4.1: 3 of 1,613,024 alleles (0.00019%); highest among the groups gnomAD compares: South Asian, 0.0011%; no homozygotes.

Submission:

Labcorp Genetics (formerly Invitae), Labcorp
Classification: Uncertain significance. Last evaluated: 2022-07-18. Review status: criteria provided, single submitter. Criteria: Invitae Variant Classification Sherloc (09022015). Collection method: clinical testing. Allele origin: germline.
Comment: In summary, the available evidence is currently insufficient to determine the role of this variant in disease. Therefore, it has been classified as a Variant of Uncertain Significance. Algorithms developed to predict the effect of missense changes on protein structure and function (SIFT, PolyPhen-2, Align-GVGD) all suggest that this variant is likely to be tolerated. ClinVar contains an entry for this variant (Variation ID: 1461950). This variant has not been reported in the literature in individuals affected with PEPD-related conditions. This variant is present in population databases (rs756716001, gnomAD 0.003%). This sequence change replaces aspartic acid, which is acidic and polar, with asparagine, which is neutral and polar, at codon 189 of the PEPD protein (p.Asp189Asn).

NM_000285.4(PEPD):c.565G>A (p.Asp189Asn)

Gene: PEPD (peptidase D; minus strand). Cytogenetic location: 19q13.11.
Variant type: single nucleotide variant.
Coding change: c.565G>A on transcript NM_000285.4 (MANE Select); coding-DNA position 565, G replaced by A.
Protein change: p.Asp189Asn; replaces aspartic acid 189 with asparagine.
Molecular consequence: missense variant. On other transcripts: intron variant (1).
Genome position (GRCh38, 1-based): chr19:33,464,046, C>T on the plus strand (G>A on the coding strand, the complement: PEPD is on the minus strand). VCF-style: chr19-33464046-C-T. GRCh37 (hg19) VCF-style: chr19-33954952-C-T.
Other names: c.373G>A, p.Asp125Asn (NM_001166057.2); c.548+14000G>A (NM_001166056.2); short protein forms D189N, D125N.
Identifiers: ClinVar variation 1461950 (VCV001461950.6), dbSNP rs756716001, ClinGen allele CA9364233.